The following is an entry in ClinVar:

NM_004380.3(CREBBP):c.4782C>T (p.Asn1594=)

Gene: CREBBP (CREB binding lysine acetyltransferase; minus strand). Cytogenetic location: 16p13.3.
Variant type: single nucleotide variant.
Coding change: c.4782C>T on transcript NM_004380.3 (MANE Select); coding-DNA position 4782, C replaced by T.
Protein change: p.Asn1594=; no amino-acid change (asparagine 1594 retained).
Molecular consequence: synonymous variant.
Genome position (GRCh38, 1-based): chr16:3,731,884, G>A on the plus strand (C>T on the coding strand, the complement: CREBBP is on the minus strand). VCF-style: chr16-3731884-G-A. GRCh37 (hg19) VCF-style: chr16-3781885-G-A.
Other names: c.4668C>T, p.Asn1556= (NM_001079846.1).
Identifiers: ClinVar variation 3059462 (VCV003059462.2), dbSNP rs1567265977, ClinGen allele CA493277399.

ClinVar aggregate classification (germline): Likely benign (0 of 4 stars; one submission).

Conditions:
CREBBP-related disorder. Also called: CREBBP-related disorders; CREBBP-related condition.

Allele frequency attached by ClinVar (database versions not stated): TOPMed below 0.00001; gnomAD exomes 0.00002.

Submission:

PreventionGenetics, part of Exact Sciences
Classification: Likely benign for CREBBP-related condition. Last evaluated: 2023-10-11. Review status: no assertion criteria provided. Collection method: clinical testing. Allele origin: germline.
Comment: This variant is classified as likely benign based on ACMG/AMP sequence variant interpretation guidelines (Richards et al. 2015 PMID: 25741868, with internal and published modifications).